The following is an entry in ClinVar:

NM_004211.5(SLC6A5):c.2333G>A (p.Gly778Glu)

Gene: SLC6A5 (solute carrier family 6 member 5; plus strand). Cytogenetic location: 11p15.1.
Variant type: single nucleotide variant.
Coding change: c.2333G>A on transcript NM_004211.5 (MANE Select); coding-DNA position 2333, G replaced by A.
Protein change: p.Gly778Glu; replaces glycine 778 with glutamic acid.
Molecular consequence: missense variant.
Genome position (GRCh38, 1-based): chr11:20,654,807, G>A. VCF-style: chr11-20654807-G-A. GRCh37 (hg19) VCF-style: chr11-20676353-G-A.
Other names: c.1631G>A, p.Gly544Glu (NM_001318369.2); short protein forms G544E, G778E.
Identifiers: ClinVar variation 2128096 (VCV002128096.4), dbSNP rs2494203162, ClinGen allele CA379916736.

ClinVar aggregate classification (germline): Uncertain significance (1 of 4 stars; one submission).

Conditions:
Hyperekplexia 3 (HKPX3). Also called: HYPEREKPLEXIA 3, AUTOSOMAL RECESSIVE; HYPEREKPLEXIA 3, AUTOSOMAL DOMINANT. Identifiers: Orphanet 3197, MedGen C3553288, MONDO:0013827, OMIM 614618.

Submission:

Labcorp Genetics (formerly Invitae), Labcorp
Classification: Uncertain significance for Hyperekplexia 3. Last evaluated: 2022-04-19. Review status: criteria provided, single submitter. Criteria: Invitae Variant Classification Sherloc (09022015). Collection method: clinical testing. Allele origin: germline.
Comment: This variant is not present in population databases (gnomAD no frequency). This sequence change replaces glycine, which is neutral and non-polar, with glutamic acid, which is acidic and polar, at codon 778 of the SLC6A5 protein (p.Gly778Glu). This variant has not been reported in the literature in individuals affected with SLC6A5-related conditions. In summary, the available evidence is currently insufficient to determine the role of this variant in disease. Therefore, it has been classified as a Variant of Uncertain Significance. Advanced modeling of protein sequence and biophysical properties (such as structural, functional, and spatial information, amino acid conservation, physicochemical variation, residue mobility, and thermodynamic stability) performed at Invitae indicates that this missense variant is not expected to disrupt SLC6A5 protein function.